The following is an entry in ClinVar:

NM_004972.4(JAK2):c.1691G>A (p.Arg564Gln)

Genes: INSL6 (insulin like 6; minus strand), JAK2 (Janus kinase 2; plus strand). Cytogenetic location: 9p24.1.
Variant type: single nucleotide variant.
Coding change: c.1691G>A on transcript NM_004972.4 (MANE Select); coding-DNA position 1691, G replaced by A.
Protein change: p.Arg564Gln; replaces arginine 564 with glutamine.
Molecular consequence: missense variant. On other transcripts: non-coding transcript variant (2).
Genome position (GRCh38, 1-based): chr9:5,072,541, G>A. VCF-style: chr9-5072541-G-A. GRCh37 (hg19) VCF-style: chr9-5072541-G-A.
Other names: c.1691G>A, p.Arg564Gln (NM_001322194.2, NM_001322195.2, NM_001322196.2); c.476G>A, p.Arg159Gln (NM_001322198.2, NM_001322199.2); c.1244G>A, p.Arg415Gln (NM_001322204.2); short protein forms R564Q, R415Q, R159Q.
Identifiers: ClinVar variation 2136730 (VCV002136730.7), dbSNP rs368927897, ClinGen allele CA372826041.

ClinVar aggregate classification (germline): Conflicting classifications of pathogenicity. Review status: criteria provided, conflicting classifications (1 of 4 stars). 4 submissions from 4 submitters: Pathogenic (1); Likely pathogenic (2); Uncertain significance (1). Last evaluated 2026-01-05.

Conditions:
Budd-Chiari syndrome (BDCHS). Also called: Hepatic vein obstruction. Identifiers: Orphanet 131, MedGen C0856761, MONDO:0010947, OMIM 600880, HP:0002639.
Acquired polycythemia vera. Also called: Polycythemia vera, somatic; POLYCYTHEMIA RUBRA VERA; Suspected polycythemia vera. Identifiers: Orphanet 729, MedGen C0032463, MeSH D011087, MONDO:0009891, OMIM 263300.
Thrombocythemia 3 (THCYT3). Also called: THROMBOCYTOSIS 3; THROMBOCYTHEMIA 3, SOMATIC. Identifiers: MedGen C3281125, MONDO:0013794, OMIM 614521.
Primary familial polycythemia due to EPO receptor mutation. Also called: Primary Familial Congenital Polycythemia; ERYTHROCYTOSIS, SOMATIC; Erythrocytosis, familial, 1; POLYCYTHEMIA, PRIMARY FAMILIAL AND CONGENITAL. Identifiers: Orphanet 90042, MedGen C4551637, MONDO:0007572, OMIM 133100.
Primary myelofibrosis. Also called: Myelofibrosis, somatic. Identifiers: Orphanet 824, MedGen C0001815, MeSH D055728, MONDO:0009692, OMIM 254450.
Acute myeloid leukemia (AML). Also called: Acute granulocytic leukemia; Leukemia, acute myeloid, somatic; Leukemia, acute myelogenous, somatic; Acute myeloid leukemia, adult; AML adult; Acute non-lymphocytic leukemia. Identifiers: Orphanet 519, MedGen C0023467, MeSH D015470, MONDO:0018874, OMIM 601626, HP:0004808. Disease mechanism: Constitutively activated FLT3.
JAK2-related disorder. Also called: JAK2-related condition.

gnomAD v4.1: 18 of 1,608,098 alleles (0.0011%); highest among the groups gnomAD compares: African/African-American, 0.008%; no homozygotes.

Submissions (4):

Labcorp Genetics (formerly Invitae), Labcorp
Classification: Pathogenic. Last evaluated: 2026-01-05. Review status: criteria provided, single submitter. Criteria: Invitae Variant Classification Sherloc (09022015). Collection method: clinical testing. Allele origin: germline.
Comment: This sequence change replaces arginine, which is basic and polar, with glutamine, which is neutral and polar, at codon 564 of the JAK2 protein (p.Arg564Gln). This variant is present in population databases (no rsID available, gnomAD 0.01%). This missense change has been observed in individual(s) with JAK2-related conditions (PMID: 24381227, 38963668; internal data). It has also been observed to segregate with disease in related individuals. ClinVar contains an entry for this variant (Variation ID: 2136730). Invitae Evidence Modeling of protein sequence and biophysical properties (such as structural, functional, and spatial information, amino acid conservation, physicochemical variation, residue mobility, and thermodynamic stability) indicates that this missense variant is not expected to disrupt JAK2 protein function with a negative predictive value of 80%. Experimental studies have shown that this missense change affects JAK2 function (PMID: 24381227). For these reasons, this variant has been classified as Pathogenic.

PreventionGenetics, part of Exact Sciences
Classification: Likely pathogenic for JAK2-related condition. Last evaluated: 2025-03-31. Review status: criteria provided, single submitter. Criteria: ACMG Guidelines, 2015. Collection method: clinical testing. Allele origin: germline.
Comment: The JAK2 c.1691G>A variant is predicted to result in the amino acid substitution p.Arg564Gln. This variant was reported in a parent and two children with autosomal dominant essential thrombocythemia (Etheridge et al. 2013. PubMed ID: 24381227). Functional studies found that this variant increases kinase activity and suppresses apoptosis leading to increased cell growth (Etheridge et al. 2013. PubMed ID: 24381227). This variant is reported in 0.012% of alleles in individuals of African descent in gnomAD. This variant is interpreted as likely pathogenic.

GeneDx
Classification: Uncertain significance. Last evaluated: 2024-08-09. Review status: criteria provided, single submitter. Criteria: GeneDx Variant Classification Process June 2021. Collection method: clinical testing. Allele origin: germline. Affected: yes.
Comment: Published functional studies demonstrate a damaging effect resulting in increased kinase activity (PMID: 24381227); In silico analysis indicates that this missense variant does not alter protein structure/function; This variant is associated with the following publications: (PMID: 24142793, 24381227)

Juno Genomics, Hangzhou Juno Genomics, Inc
Classification: Likely pathogenic for Thrombocythemia 3; Budd-Chiari syndrome; Primary familial polycythemia due to EPO receptor mutation; Acute myeloid leukemia; Primary myelofibrosis; Acquired polycythemia vera. Review status: criteria provided, single submitter. Criteria: ACMG Guidelines, 2015. Collection method: clinical testing. Allele origin: germline.
Comment: Absent from controls (or at extremely low frequency if recessive) in Genome Aggregation Database.;Well-established in vitro or in vivo functional studies supportive of a damaging effect on the gene or gene product.;The prevalence of the variant in affected individuals is significantly increased compared to the prevalence in controls.;Co-segregation with disease in multiple affected family members.

Literature cited by the submitters: PubMed 24381227 (cited by Labcorp Genetics (formerly Invitae), Labcorp); PubMed 38963668 (cited by Labcorp Genetics (formerly Invitae), Labcorp).